The following is an entry in ClinVar:

NM_001042492.3(NF1):c.684del (p.Asp229fs)

Gene: NF1 (neurofibromin 1; plus strand). Cytogenetic location: 17q11.2.
Variant type: Deletion.
Coding change: c.684del on transcript NM_001042492.3 (MANE Select); coding-DNA position 684, one base deleted (A; older notation c.684delA).
Protein change: p.Asp229fs; shifts the reading frame from aspartic acid 229.
Molecular consequence: frameshift variant.
Genome position (GRCh38, 1-based): chr17:31,181,739, A deleted. VCF-style (leftmost placement, unchanged base first): chr17-31181738-CA-C. GRCh37 (hg19) VCF-style: chr17-29508756-CA-C.
Other names: c.684delA, p.Asp229Metfs (NM_000267.4); c.684del, p.Asp229fs (NM_001128147.3); short protein forms D229fs.
Identifiers: ClinVar variation 2020378 (VCV002020378.4), dbSNP rs2544749809, ClinGen allele CA2580092812.
Genomic context (GRCh38, chr17:31,181,738, plus strand): 5'-CACTGTAAAGACATGTGGTTCTTTATTTATAGGCATTTTGGAACTGGGTAGAAAATTATC[CA>C]GATGAATTTACAAAACTGTACCAGATCCCACAGACTGATATGGCTGGTAAGGATACGATT-3'

ClinVar aggregate classification (germline): Pathogenic (1 of 4 stars; one submission).

Conditions:
Neurofibromatosis, type 1 (NF1). Also called: NEUROFIBROMATOSIS, TYPE I, SOMATIC; Neurofibromatosis, type I; Peripheral type neurofibromatosis; VON RECKLINGHAUSEN DISEASE. Identifiers: Orphanet 636, MedGen C0027831, MONDO:0018975, OMIM 162200. Disease mechanism: loss of function.

Submission:

Labcorp Genetics (formerly Invitae), Labcorp
Classification: Pathogenic for Neurofibromatosis, type 1. Last evaluated: 2022-07-29. Review status: criteria provided, single submitter. Criteria: Invitae Variant Classification Sherloc (09022015). Collection method: clinical testing. Allele origin: germline.
Comment: For these reasons, this variant has been classified as Pathogenic. This variant has not been reported in the literature in individuals affected with NF1-related conditions. This variant is not present in population databases (gnomAD no frequency). This sequence change creates a premature translational stop signal (p.Asp229Metfs*52) in the NF1 gene. It is expected to result in an absent or disrupted protein product. Loss-of-function variants in NF1 are known to be pathogenic (PMID: 10712197, 23913538).

Literature cited by the submitters: PubMed 10712197; PubMed 23913538.